The following is an entry in ClinVar:

NM_001365276.2(TNXB):c.11170C>T (p.Arg3724Cys)

Genes: TNXB (tenascin XB; minus strand), LOC106780803 (tenascin XB recombination region; plus strand). Cytogenetic location: 6p21.33.
Variant type: single nucleotide variant.
Coding change: c.11170C>T on transcript NM_001365276.2 (MANE Select); coding-DNA position 11170, C replaced by T.
Protein change: p.Arg3724Cys; replaces arginine 3724 with cysteine.
Molecular consequence: missense variant.
Genome position (GRCh38, 1-based): chr6:32,044,474, G>A on the plus strand (C>T on the coding strand, the complement: TNXB is on the minus strand). VCF-style: chr6-32044474-G-A. GRCh37 (hg19) VCF-style: chr6-32012251-G-A.
Other names: p.Arg3722Cys; c.11911C>T, p.Arg3971Cys (NM_001428335.1); c.11164C>T, p.Arg3722Cys (NM_019105.8); c.457C>T, p.Arg153Cys (NM_032470.4); short protein forms R3722C, R3971C, R153C, R3724C.
Identifiers: ClinVar variation 4541127 (VCV004541127.1).

ClinVar aggregate classification (germline): Uncertain significance (1 of 4 stars; one submission).

Submission:

Mayo Clinic Laboratories, Mayo Clinic
Classification: Uncertain significance. Last evaluated: 2025-12-08. Review status: criteria provided, single submitter. Criteria: ACMG Guidelines, 2015. Collection method: clinical testing. Allele origin: germline. Observed: 2 variant alleles.
Comment: BP4_moderate, PM2_supporting